The following is an entry in ClinVar:

NM_004733.4(SLC33A1):c.1505C>T (p.Ser502Leu)

Gene: SLC33A1 (solute carrier family 33 member 1; minus strand). Cytogenetic location: 3q25.31.
Variant type: single nucleotide variant.
Coding change: c.1505C>T on transcript NM_004733.4 (MANE Select); coding-DNA position 1505, C replaced by T.
Protein change: p.Ser502Leu; replaces serine 502 with leucine.
Molecular consequence: missense variant.
Genome position (GRCh38, 1-based): chr3:155,828,355, G>A on the plus strand (C>T on the coding strand, the complement: SLC33A1 is on the minus strand). VCF-style: chr3-155828355-G-A. GRCh37 (hg19) VCF-style: chr3-155546144-G-A.
Other names: c.1505C>T, p.Ser502Leu (NM_001190992.2); c.1199C>T, p.Ser400Leu (NM_001363883.1); short protein forms S400L, S502L.
Identifiers: ClinVar variation 1509941 (VCV001509941.9), dbSNP rs149578822, ClinGen allele CA2677219.

ClinVar aggregate classification (germline): Uncertain significance. Review status: criteria provided, multiple submitters, no conflicts (2 of 4 stars). 4 submissions from 4 submitters: Uncertain significance (4). Last evaluated 2026-01-06.

Conditions:
Hereditary spastic paraplegia 42. Also called: SPASTIC PARAPLEGIA 42, AUTOSOMAL DOMINANT. Identifiers: Orphanet 171863, MedGen C2675528, MONDO:0012928, OMIM 612539.
Huppke-Brendel syndrome. Also called: ACETYL-CoA TRANSPORTER DEFICIENCY; Congenital cataract-hearing loss-severe developmental delay syndrome. Identifiers: Orphanet 300313, MedGen C4751114, MONDO:0013772, OMIM 614482.
Spastic paraplegia. Identifiers: MedGen C0037772, HP:0001258.
Inborn genetic diseases. Identifiers: MedGen C0950123, MeSH D030342.

Allele frequency attached by ClinVar (database versions not stated): gnomAD exomes 0.00002; ExAC 0.00003; TOPMed 0.00007; gnomAD 0.00010; 1000 Genomes Project 30x 0.00016; ESP Exome Variant Server 0.00023.

Submissions (4):

GeneDx
Classification: Uncertain significance. Last evaluated: 2026-01-06. Review status: criteria provided, single submitter. Criteria: GeneDx Variant Classification Process June 2021. Collection method: clinical testing. Allele origin: germline. Affected: yes.
Comment: In silico analysis suggests that this missense variant does not alter protein structure/function; Has not been previously published as pathogenic or benign to our knowledge

Labcorp Genetics (formerly Invitae), Labcorp
Classification: Uncertain significance for Spastic paraplegia. Last evaluated: 2025-01-06. Review status: criteria provided, single submitter. Criteria: Invitae Variant Classification Sherloc (09022015). Collection method: clinical testing. Allele origin: germline.
Comment: This sequence change replaces serine, which is neutral and polar, with leucine, which is neutral and non-polar, at codon 502 of the SLC33A1 protein (p.Ser502Leu). This variant is present in population databases (rs149578822, gnomAD 0.02%). This variant has not been reported in the literature in individuals affected with SLC33A1-related conditions. ClinVar contains an entry for this variant (Variation ID: 1509941). Invitae Evidence Modeling of protein sequence and biophysical properties (such as structural, functional, and spatial information, amino acid conservation, physicochemical variation, residue mobility, and thermodynamic stability) indicates that this missense variant is not expected to disrupt SLC33A1 protein function with a negative predictive value of 80%. In summary, the available evidence is currently insufficient to determine the role of this variant in disease. Therefore, it has been classified as a Variant of Uncertain Significance.

Ambry Genetics
Classification: Uncertain significance for Inborn genetic diseases. Last evaluated: 2022-11-30. Review status: criteria provided, single submitter. Criteria: Ambry Variant Classification Scheme 2023. Collection method: clinical testing. Allele origin: germline.

Fulgent Genetics
Classification: Uncertain significance for Hereditary spastic paraplegia 42; Huppke-Brendel syndrome. Last evaluated: 2021-08-04. Review status: criteria provided, single submitter. Criteria: ACMG Guidelines, 2015. Collection method: clinical testing. Allele origin: unknown.